The following is an entry in ClinVar:

ClinVar aggregate classification (germline): Uncertain significance (1 of 4 stars; one submission).

Conditions:
Pontocerebellar hypoplasia type 1A (PCH1A). Also called: PONTOCEREBELLAR HYPOPLASIA WITH ANTERIOR HORN CELL DISEASE; PONTOCEREBELLAR HYPOPLASIA WITH INFANTILE SPINAL MUSCULAR ATROPHY. Identifiers: Orphanet 2254, Orphanet 88616, MedGen C1843504, MONDO:0011866, OMIM 607596.

gnomAD v4.1: 1 of 1,606,252 alleles (0.000062%); highest among the groups gnomAD compares: Non-Finnish European, 0.000085%; no homozygotes.

Submission:

Labcorp Genetics (formerly Invitae), Labcorp
Classification: Uncertain significance for Pontocerebellar hypoplasia type 1A. Last evaluated: 2022-07-29. Review status: criteria provided, single submitter. Criteria: Invitae Variant Classification Sherloc (09022015). Collection method: clinical testing. Allele origin: germline.
Comment: In summary, the available evidence is currently insufficient to determine the role of this variant in disease. Therefore, it has been classified as a Variant of Uncertain Significance. Algorithms developed to predict the effect of missense changes on protein structure and function are either unavailable or do not agree on the potential impact of this missense change (SIFT: "Deleterious"; PolyPhen-2: "Benign"; Align-GVGD: "Class C0"). This variant has not been reported in the literature in individuals affected with VRK1-related conditions. This variant is not present in population databases (gnomAD no frequency). This sequence change replaces arginine, which is basic and polar, with threonine, which is neutral and polar, at codon 391 of the VRK1 protein (p.Arg391Thr).

NM_003384.3(VRK1):c.1172G>C (p.Arg391Thr)

Gene: VRK1 (VRK serine/threonine kinase 1; plus strand). Cytogenetic location: 14q32.2.
Variant type: single nucleotide variant.
Coding change: c.1172G>C on transcript NM_003384.3 (MANE Select); coding-DNA position 1172, G replaced by C.
Protein change: p.Arg391Thr; replaces arginine 391 with threonine.
Molecular consequence: missense variant.
Genome position (GRCh38, 1-based): chr14:96,881,189, G>C. VCF-style: chr14-96881189-G-C. GRCh37 (hg19) VCF-style: chr14-97347526-G-C.
Other names: c.1244G>C, p.Arg415Thr (NM_001411051.1); c.1169G>C, p.Arg390Thr (NM_001411053.1); short protein forms R391T, R415T, R390T.
Identifiers: ClinVar variation 1920022 (VCV001920022.5), dbSNP rs2504267393, ClinGen allele CA390932584.
Genomic context (GRCh38, chr14:96,881,189, plus strand): 5'-TTGTAAATTATTGACTAGTGATTTCAGTTTCTTTGATTTTTCTTCAAGGTTCAAGAACCA[G>C]AAAGAGAGTCCAGAAGTAATTCAGATGCTGTGAACCAGATTTCCTTTTCTTTGTTTTCTT-3'
Protein context (NP_003375.1, residues 381-396): EEAIQTRSRT[Arg391Thr]KRVQK